The following is an entry in ClinVar:

ClinVar aggregate classification (germline): Uncertain significance (1 of 4 stars; one submission).

Conditions:
Hereditary cancer-predisposing syndrome. Also called: Neoplastic Syndromes, Hereditary; Tumor predisposition; Hereditary Cancer Syndrome; Hereditary neoplastic syndrome. Identifiers: Orphanet 140162, MedGen C0027672, MeSH D009386, MONDO:0015356.

Submission:

Ambry Genetics
Classification: Uncertain significance for Hereditary cancer-predisposing syndrome. Last evaluated: 2026-03-30. Review status: criteria provided, single submitter. Criteria: Ambry Variant Classification Scheme 2023. Collection method: clinical testing. Allele origin: germline.
Comment: The p.Q253R variant (also known as c.758A>G), located in coding exon 8 of the SMARCE1 gene, results from an A to G substitution at nucleotide position 758. The glutamine at codon 253 is replaced by arginine, an amino acid with highly similar properties. This amino acid position is conserved. In addition, the in silico prediction for this alteration is inconclusive. Based on the available evidence, the clinical significance of this variant remains unclear.

NM_003079.5(SMARCE1):c.758A>G (p.Gln253Arg)

Gene: SMARCE1 (SWI/SNF related BAF chromatin remodeling complex subunit E1; minus strand). Cytogenetic location: 17q21.2.
Variant type: single nucleotide variant.
Coding change: c.758A>G on transcript NM_003079.5 (MANE Select); coding-DNA position 758, A replaced by G.
Protein change: p.Gln253Arg; replaces glutamine 253 with arginine.
Molecular consequence: missense variant.
Genome position (GRCh38, 1-based): chr17:40,631,650, T>C on the plus strand (A>G on the coding strand, the complement: SMARCE1 is on the minus strand). VCF-style: chr17-40631650-T-C. GRCh37 (hg19) VCF-style: chr17-38787902-T-C.
Other names: short protein forms Q253R.
Identifiers: ClinVar variation 4864860 (VCV004864860.1).